The following is an entry in ClinVar:

NM_001365088.1(SLC12A6):c.668T>C (p.Ile223Thr)

Genes: SLC12A6 (solute carrier family 12 member 6; minus strand), LOC129390683 (MPRA-validated peak2292 silencer; plus strand). Cytogenetic location: 15q14.
Variant type: single nucleotide variant.
Coding change: c.668T>C on transcript NM_001365088.1 (MANE Select); coding-DNA position 668, T replaced by C.
Protein change: p.Ile223Thr; replaces isoleucine 223 with threonine.
Molecular consequence: missense variant.
Genome position (GRCh38, 1-based): chr15:34,257,664, A>G on the plus strand (T>C on the coding strand, the complement: SLC12A6 is on the minus strand). VCF-style: chr15-34257664-A-G. GRCh37 (hg19) VCF-style: chr15-34549865-A-G.
Other names: c.491T>C, p.Ile164Thr (NM_001042494.2, NM_001042495.2); c.641T>C, p.Ile214Thr (NM_001042496.2); c.623T>C, p.Ile208Thr (NM_001042497.2); c.515T>C, p.Ile172Thr (NM_005135.2); c.668T>C, p.Ile223Thr (NM_133647.2); short protein forms I164T, I208T, I214T, I223T, I172T.
Identifiers: ClinVar variation 1429967 (VCV001429967.7), dbSNP rs746236247, ClinGen allele CA391611717.
Genomic context (GRCh38, chr15:34,257,664, plus strand): 5'-ACGTTCAGGTGATCTCTAGGAGCCAGTGCAGTACTTACACAGCAGCAGCAGATAAGGACA[A>G]TTGCAAAAGCCTGAAGAACTCCAGCTGTGCCCACCACCCATGTAAGGCGTAAAAAAAGGA-3'
Protein context (NP_001352017.1, residues 213-233): GTAGVLQAFA[Ile223Thr]VLICCCCTML

ClinVar aggregate classification (germline): Uncertain significance (1 of 4 stars; one submission).

gnomAD v4.1: 40 of 1,613,890 alleles (0.0025%); highest among the groups gnomAD compares: Non-Finnish European, 0.0034%; no homozygotes.

Submission:

Labcorp Genetics (formerly Invitae), Labcorp
Classification: Uncertain significance. Last evaluated: 2024-06-11. Review status: criteria provided, single submitter. Criteria: Invitae Variant Classification Sherloc (09022015). Collection method: clinical testing. Allele origin: germline.
Comment: This sequence change replaces isoleucine, which is neutral and non-polar, with threonine, which is neutral and polar, at codon 223 of the SLC12A6 protein (p.Ile223Thr). This variant is not present in population databases (gnomAD no frequency). This variant has not been reported in the literature in individuals affected with SLC12A6-related conditions. ClinVar contains an entry for this variant (Variation ID: 1429967). Advanced modeling of protein sequence and biophysical properties (such as structural, functional, and spatial information, amino acid conservation, physicochemical variation, residue mobility, and thermodynamic stability) performed at Invitae indicates that this missense variant is not expected to disrupt SLC12A6 protein function with a negative predictive value of 80%. In summary, the available evidence is currently insufficient to determine the role of this variant in disease. Therefore, it has been classified as a Variant of Uncertain Significance.